The following is an entry in ClinVar:

NM_000780.4(CYP7A1):c.857C>T (p.Ser286Leu)

Gene: CYP7A1 (cytochrome P450 family 7 subfamily A member 1; minus strand). Cytogenetic location: 8q12.1.
Variant type: single nucleotide variant.
Coding change: c.857C>T on transcript NM_000780.4 (MANE Select); coding-DNA position 857, C replaced by T.
Protein change: p.Ser286Leu; replaces serine 286 with leucine.
Molecular consequence: missense variant.
Genome position (GRCh38, 1-based): chr8:58,496,655, G>A on the plus strand (C>T on the coding strand, the complement: CYP7A1 is on the minus strand). VCF-style: chr8-58496655-G-A. GRCh37 (hg19) VCF-style: chr8-59409214-G-A.
Other names: short protein forms S286L.
Identifiers: ClinVar variation 2060256 (VCV002060256.4), dbSNP rs766417104, ClinGen allele CA4756724.

ClinVar aggregate classification (germline): Uncertain significance (1 of 4 stars; one submission).

Allele frequency attached by ClinVar (database versions not stated): gnomAD 0.00003; TOPMed 0.00001; ExAC 0.00002; gnomAD exomes 0.00002.

Submission:

Labcorp Genetics (formerly Invitae), Labcorp
Classification: Uncertain significance. Last evaluated: 2025-08-18. Review status: criteria provided, single submitter. Criteria: Invitae Variant Classification Sherloc (09022015). Collection method: clinical testing. Allele origin: germline.
Comment: This sequence change replaces serine, which is neutral and polar, with leucine, which is neutral and non-polar, at codon 286 of the CYP7A1 protein (p.Ser286Leu). This variant is present in population databases (rs766417104, gnomAD 0.004%). This variant has not been reported in the literature in individuals affected with CYP7A1-related conditions. ClinVar contains an entry for this variant (Variation ID: 2060256). Invitae Evidence Modeling of protein sequence and biophysical properties (such as structural, functional, and spatial information, amino acid conservation, physicochemical variation, residue mobility, and thermodynamic stability) indicates that this missense variant is expected to disrupt CYP7A1 protein function with a positive predictive value of 80%. In summary, the available evidence is currently insufficient to determine the role of this variant in disease. Therefore, it has been classified as a Variant of Uncertain Significance.